The following is an entry in ClinVar:

ClinVar aggregate classification (germline): Likely benign (0 of 4 stars; one submission).

Conditions:
FOXA2-related disorder. Also called: FOXA2-related condition.

Allele frequency attached by ClinVar (database versions not stated): TOPMed 0.00003; gnomAD 0.00013; gnomAD exomes 0.00022; 1000 Genomes Project 30x 0.00062; ExAC 0.00152.
gnomAD v4.1: 330 of 1,551,538 alleles (0.021%); highest among the groups gnomAD compares: South Asian, 0.37%; 2 homozygotes.

Submission:

PreventionGenetics, part of Exact Sciences
Classification: Likely benign for FOXA2-related condition. Last evaluated: 2019-04-05. Review status: no assertion criteria provided. Collection method: clinical testing. Allele origin: germline.
Comment: This variant is classified as likely benign based on ACMG/AMP sequence variant interpretation guidelines (Richards et al. 2015 PMID: 25741868, with internal and published modifications).

NM_021784.5(FOXA2):c.1053C>G (p.Ala351=)

Gene: FOXA2 (forkhead box A2; minus strand). Cytogenetic location: 20p11.21.
Variant type: single nucleotide variant.
Coding change: c.1053C>G on transcript NM_021784.5 (MANE Select); coding-DNA position 1053, C replaced by G.
Protein change: p.Ala351=; no amino-acid change (alanine 351 retained).
Molecular consequence: synonymous variant.
Genome position (GRCh38, 1-based): chr20:22,582,189, G>C on the plus strand (C>G on the coding strand, the complement: FOXA2 is on the minus strand). VCF-style: chr20-22582189-G-C. GRCh37 (hg19) VCF-style: chr20-22562827-G-C.
Other names: c.1035C>G, p.Ala345= (NM_153675.3).
Identifiers: ClinVar variation 3048214 (VCV003048214.2), dbSNP rs562230926, ClinGen allele CA9786919.